The following is an entry in ClinVar:

ClinVar aggregate classification (germline): Conflicting classifications of pathogenicity. Review status: criteria provided, conflicting classifications (1 of 4 stars). 3 submissions from 3 submitters: Pathogenic (2); Uncertain significance (1). Last evaluated 2026-01-09.

Conditions:
CBL-related disorder. Also called: NOONAN SYNDROME-LIKE DISORDER WITHOUT JUVENILE MYELOMONOCYTIC LEUKEMIA; CBL MUTATION-ASSOCIATED SYNDROME; CBL SYNDROME. Identifiers: Orphanet 363972, MedGen C3150803, MONDO:0013308, OMIM 613563.
RASopathy. Also called: rasopathies; Noonan spectrum disorder. Identifiers: Orphanet 536391, MedGen C5555857, MONDO:0021060.

Submissions (3):

Labcorp Genetics (formerly Invitae), Labcorp
Classification: Uncertain significance for RASopathy. Last evaluated: 2026-01-09. Review status: criteria provided, single submitter. Criteria: Invitae Variant Classification Sherloc (09022015). Collection method: clinical testing. Allele origin: germline.
Comment: This sequence change replaces cysteine, which is neutral and slightly polar, with arginine, which is basic and polar, at codon 401 of the CBL protein (p.Cys401Arg). This variant is not present in population databases (gnomAD no frequency). This missense change has been observed in individual(s) with clinical features of CBL-related conditions (PMID: 33057194, 35982159, 38958063; internal data). ClinVar contains an entry for this variant (Variation ID: 40406). Invitae Evidence Modeling of protein sequence and biophysical properties (such as structural, functional, and spatial information, amino acid conservation, physicochemical variation, residue mobility, and thermodynamic stability) indicates that this missense variant is expected to disrupt CBL protein function with a positive predictive value of 95%. In summary, the available evidence is currently insufficient to determine the role of this variant in disease. Therefore, it has been classified as a Variant of Uncertain Significance.

Provincial Medical Genetics Program of British Columbia, University of British Columbia
Classification: Pathogenic for CBL-related disorder. Last evaluated: 2022-01-01. Review status: criteria provided, single submitter. Criteria: ACMG Guidelines, 2015. Collection method: clinical testing. Allele origin: de novo. Affected: yes.

GeneDx
Classification: Pathogenic. Last evaluated: 2019-04-24. Review status: criteria provided, single submitter. Criteria: GeneDx Variant Classification Process June 2021. Collection method: clinical testing. Allele origin: germline. Affected: yes.
Comment: Not observed in large population cohorts (Lek et al., 2016; McVean et al., 2012; Exome Variant Server); In silico analysis, which includes protein predictors and evolutionary conservation, supports a deleterious effect; Has not been previously reported as pathogenic or benign to our knowledge

Literature cited by the submitters: PubMed 33057194 (cited by Labcorp Genetics (formerly Invitae), Labcorp); PubMed 35982159 (cited by Labcorp Genetics (formerly Invitae), Labcorp); PubMed 38958063 (cited by Labcorp Genetics (formerly Invitae), Labcorp).

NM_005188.4(CBL):c.1201T>C (p.Cys401Arg)

Gene: CBL (Cbl proto-oncogene; plus strand). Cytogenetic location: 11q23.3.
Variant type: single nucleotide variant.
Coding change: c.1201T>C on transcript NM_005188.4 (MANE Select); coding-DNA position 1201, T replaced by C.
Protein change: p.Cys401Arg; replaces cysteine 401 with arginine.
Molecular consequence: missense variant.
Genome position (GRCh38, 1-based): chr11:119,278,271, T>C. VCF-style: chr11-119278271-T-C. GRCh37 (hg19) VCF-style: chr11-119148981-T-C.
Other names: p.C401R:TGC>CGC; short protein forms C401R.
Identifiers: ClinVar variation 40406 (VCV000040406.14), dbSNP rs397507492, ClinGen allele CA282024.